The following is an entry in ClinVar:

ClinVar aggregate classification (germline): Uncertain significance (1 of 4 stars; one submission).

Submission:

Labcorp Genetics (formerly Invitae), Labcorp
Classification: Uncertain significance. Last evaluated: 2023-12-04. Review status: criteria provided, single submitter. Criteria: Invitae Variant Classification Sherloc (09022015). Collection method: clinical testing. Allele origin: germline.
Comment: This sequence change affects codon 285 of the THBD mRNA. It is a 'silent' change, meaning that it does not change the encoded amino acid sequence of the THBD protein. This variant is present in population databases (rs779296339, gnomAD 0.001%). This variant has not been reported in the literature in individuals affected with THBD-related conditions. In summary, the available evidence is currently insufficient to determine the role of this variant in disease. Therefore, it has been classified as a Variant of Uncertain Significance.

NM_000361.3(THBD):c.855G>C (p.Thr285=)

Gene: THBD (thrombomodulin; minus strand). Cytogenetic location: 20p11.21.
Variant type: single nucleotide variant.
Coding change: c.855G>C on transcript NM_000361.3 (MANE Select); coding-DNA position 855, G replaced by C.
Protein change: p.Thr285=; no amino-acid change (threonine 285 retained).
Molecular consequence: synonymous variant.
Genome position (GRCh38, 1-based): chr20:23,048,650, C>G on the plus strand (G>C on the coding strand, the complement: THBD is on the minus strand). VCF-style: chr20-23048650-C-G. GRCh37 (hg19) VCF-style: chr20-23029287-C-G.
Identifiers: ClinVar variation 2833814 (VCV002833814.3), dbSNP rs779296339, ClinGen allele CA9787682.